The following is an entry in ClinVar:

ClinVar aggregate classification (germline): Pathogenic/Likely pathogenic. Review status: criteria provided, multiple submitters, no conflicts (2 of 4 stars). 2 submissions from 2 submitters: Pathogenic (1); Likely pathogenic (1). Last evaluated 2025-10-06.

Conditions:
Exostoses, multiple, type 1 (EXT1). Also called: EXOSTOSES, MULTIPLE, TYPE I; Hereditary Multiple Osteochondromatosis, Type I. Identifiers: MedGen CN263289, MONDO:0007585, OMIM 133700.
EXT1-related disorders.

Submissions (2):

Victorian Clinical Genetics Services, Murdoch Childrens Research Institute
Classification: Pathogenic for Exostoses, multiple, type 1. Last evaluated: 2025-10-06. Review status: criteria provided, single submitter. Criteria: ACMG Guidelines, 2015. Collection method: clinical testing. Allele origin: germline. Affected: no.
Comment: This variant is classified as Pathogenic. Evidence in support of pathogenic classification: Variant is predicted to cause nonsense-mediated decay (NMD) and loss of protein (premature termination codon is located at least 54 nucleotides upstream of the final exon-exon junction); Variant is absent from gnomAD (v2, v3 and v4); Other NMD-predicted variant(s) comparable to the one identified in this case have very strong previous evidence for pathogenicity (DECIPHER). Additional information: This gene is associated with autosomal dominant disease; Loss of function is a known mechanism of disease in this gene and is associated with multiple exostoses type 1 (MIM#133700); Variants in this gene are known to have variable expressivity. Variable intrafamilial expressivity resulting in clinically undiagnosed cases due to absent or unidentified mild symptoms have been reported (PMIDs: 9326317, 29529714)

Blueprint Genetics
Classification: Likely pathogenic for EXT1-related disorders. Last evaluated: 2024-09-19. Review status: criteria provided, single submitter. Criteria: ACMG Guidelines, 2015. Collection method: clinical testing. Allele origin: germline. Affected: yes. Observed: 1 variant allele.

Literature cited by the submitters: PubMed 29529714 (cited by Victorian Clinical Genetics Services, Murdoch Childrens Research Institute); PubMed 9326317 (cited by Victorian Clinical Genetics Services, Murdoch Childrens Research Institute).

NM_000127.3(EXT1):c.1218del (p.Gln406fs)

Gene: EXT1 (exostosin glycosyltransferase 1; minus strand). Cytogenetic location: 8q24.11.
Variant type: Deletion.
Coding change: c.1218del on transcript NM_000127.3 (MANE Select); coding-DNA position 1218, one base deleted (G; older notation c.1218delG).
Protein change: p.Gln406fs; shifts the reading frame from glutamine 406.
Molecular consequence: frameshift variant.
Genome position (GRCh38, 1-based): chr8:117,830,296, C deleted on the plus strand (G on the coding strand, the reverse complement: EXT1 is on the minus strand). VCF-style (leftmost placement, unchanged base first): chr8-117830295-GC-G. GRCh37 (hg19) VCF-style: chr8-118842534-GC-G.
Other names: short protein forms Q406fs.
Identifiers: ClinVar variation 4532088 (VCV004532088.2).